The following is an entry in ClinVar:

ClinVar aggregate classification (germline): Benign/Likely benign. Review status: criteria provided, multiple submitters, no conflicts (2 of 4 stars). 3 submissions from 3 submitters: Benign (2); Likely benign (1). Last evaluated 2025-03-01.

Allele frequency attached by ClinVar (database versions not stated): gnomAD 0.00650; 1000 Genomes Project 30x 0.00172; 1000 Genomes Project 0.00180; ESP Exome Variant Server 0.00315; TOPMed 0.00316.

Submissions (3):

CeGaT Center for Human Genetics Tuebingen
Classification: Likely benign. Last evaluated: 2025-03-01. Review status: criteria provided, single submitter. Criteria: CeGaT Center For Human Genetics Tuebingen Variant Classification Criteria Version 2. Collection method: clinical testing. Allele origin: germline. Affected: yes. Observed: 1 variant allele.
Comment: MIEF1: BP4, BS2

Labcorp Genetics (formerly Invitae), Labcorp
Classification: Benign. Last evaluated: 2017-08-11. Review status: criteria provided, single submitter. Criteria: Invitae Variant Classification Sherloc (09022015). Collection method: clinical testing. Allele origin: germline.

Breakthrough Genomics
Classification: Benign. Review status: criteria provided, single submitter. Criteria: ACMG Guidelines, 2015. Collection method: not provided. Allele origin: germline. Inheritance: Unknown mechanism. Affected: yes.

NM_019008.6(MIEF1):c.911G>A (p.Arg304His)

Gene: MIEF1 (mitochondrial elongation factor 1; plus strand). Cytogenetic location: 22q13.1.
Variant type: single nucleotide variant.
Coding change: c.911G>A on transcript NM_019008.6 (MANE Select); coding-DNA position 911, G replaced by A.
Protein change: p.Arg304His; replaces arginine 304 with histidine.
Molecular consequence: missense variant. On other transcripts: non-coding transcript variant (2).
Genome position (GRCh38, 1-based): chr22:39,513,842, G>A. VCF-style: chr22-39513842-G-A. GRCh37 (hg19) VCF-style: chr22-39909847-G-A.
Other names: c.911G>A, p.Arg304His (NM_001304564.2); short protein forms R304H.
Identifiers: ClinVar variation 787193 (VCV000787193.11), dbSNP rs141041315, ClinGen allele CA10242727.